The following is an entry in ClinVar:

ClinVar aggregate classification (germline): Benign. Review status: criteria provided, multiple submitters, no conflicts (2 of 4 stars). 3 submissions from 3 submitters: Benign (3). Last evaluated 2024-07-15.

Allele frequency attached by ClinVar (database versions not stated): gnomAD exomes 0.03887 and 0.05057; ExAC 0.13073; gnomAD 0.15394 and 0.15705; ESP Exome Variant Server 0.17569; TOPMed 0.19362; 1000 Genomes Project 0.22863.
gnomAD v4.1: 72,884 of 1,413,554 alleles (5.2%); highest among the groups gnomAD compares: African/African-American, 27%; 6,418 homozygotes.

Submissions (3):

Unidad de Genómica Garrahan, Hospital de Pediatría Garrahan
Classification: Benign. Last evaluated: 2024-07-15. Review status: criteria provided, single submitter. Criteria: ACMG Guidelines, 2015. Collection method: clinical testing. Allele origin: germline. Affected: no. Observed: 21 variant alleles.
Comment: This variant is classified as Benign based on local population frequency. This variant was detected in 23% of patients studied in a panel designed for Epileptic and Developmental Encephalopathy and Progressive Myoclonus Epilepsy. Number of patients: 21. Only high quality variants are reported.

GeneDx
Classification: Benign. Last evaluated: 2018-06-19. Review status: criteria provided, single submitter. Criteria: GeneDx Variant Classification (06012015). Collection method: clinical testing. Allele origin: germline. Affected: yes.
Comment: This variant is considered likely benign or benign based on one or more of the following criteria: it is a conservative change, it occurs at a poorly conserved position in the protein, it is predicted to be benign by multiple in silico algorithms, and/or has population frequency not consistent with disease.

Breakthrough Genomics
Classification: Benign. Review status: criteria provided, single submitter. Criteria: ACMG Guidelines, 2015. Collection method: not provided. Allele origin: germline. Inheritance: Autosomal dominant inheritance. Affected: yes.

NM_020822.3(KCNT1):c.2729+31A>G

Gene: KCNT1 (potassium sodium-activated channel subfamily T member 1; plus strand). Cytogenetic location: 9q34.3.
Variant type: single nucleotide variant.
Coding change: c.2729+31A>G on transcript NM_020822.3 (MANE Select); 31 bases into the intron after coding-DNA position 2729, A replaced by G.
Molecular consequence: intron variant.
Genome position (GRCh38, 1-based): chr9:135,778,853, A>G. VCF-style: chr9-135778853-A-G. GRCh37 (hg19) VCF-style: chr9-138670699-A-G.
Other names: c.2594+31A>G (NM_001272003.2).
Identifiers: ClinVar variation 682433 (VCV000682433.4), dbSNP rs113887396, ClinGen allele CA5327413.